The following is an entry in ClinVar:

NM_000350.3(ABCA4):c.575C>T (p.Ala192Val)

Gene: ABCA4 (ATP binding cassette subfamily A member 4; minus strand). Cytogenetic location: 1p22.1.
Variant type: single nucleotide variant.
Coding change: c.575C>T on transcript NM_000350.3 (MANE Select); coding-DNA position 575, C replaced by T.
Protein change: p.Ala192Val; replaces alanine 192 with valine.
Molecular consequence: missense variant.
Genome position (GRCh38, 1-based): chr1:94,098,987, G>A on the plus strand (C>T on the coding strand, the complement: ABCA4 is on the minus strand). VCF-style: chr1-94098987-G-A. GRCh37 (hg19) VCF-style: chr1-94564543-G-A.
Other names: c.575C>T, p.Ala192Val (NM_001425324.1); short protein forms A192V.
Identifiers: ClinVar variation 875884 (VCV000875884.16), dbSNP rs185729337, ClinGen allele CA958797.

ClinVar aggregate classification (germline): Conflicting classifications of pathogenicity. Review status: criteria provided, conflicting classifications (1 of 4 stars). 5 submissions from 5 submitters: Uncertain significance (4); Likely benign (1). Last evaluated 2025-12-26.

Conditions:
Retinal dystrophy. Also called: Inherited retinal dystrophy. Identifiers: Orphanet 71862, MedGen C0854723, MeSH D058499, MONDO:0019118, HP:0000556.
ABCA4-related disorder. Also called: ABCA4-related disorders; ABCA4-related condition. Identifiers: MedGen CN239167.

Allele frequency attached by ClinVar (database versions not stated): gnomAD 0.00004 and 0.00009; gnomAD exomes 0.00007 and 0.00023; TOPMed 0.00007; ExAC 0.00025; 1000 Genomes Project 30x 0.00047; 1000 Genomes Project 0.00060.
gnomAD v4.1: 111 of 1,606,280 alleles (0.0069%); highest among the groups gnomAD compares: East Asian, 0.24%; 1 homozygote.

Submissions (5):

PreventionGenetics, part of Exact Sciences
Classification: Uncertain significance for ABCA4-related condition. Last evaluated: 2025-12-26. Review status: criteria provided, single submitter. Criteria: ACMG Guidelines, 2015. Collection method: clinical testing. Allele origin: germline.
Comment: The ABCA4 c.575C>T variant is predicted to result in the amino acid substitution p.Ala192Val. This variant has been reported as a variant of uncertain significance in an individual with retinitis pigmentosa, and found in compound heterozygosity with a likely pathogenic change (Table S3, Li et al. 2023. PubMed ID: 36729443). It was also reported in an individual with fundus flavimaculatus without a second variant (Joo et al. 2019. PubMed ID: 31814693). This variant is reported in 0.29% of alleles in individuals of East Asian descent in gnomAD. Although we suspect that this variant may be benign, at this time, the clinical significance of this variant is uncertain due to the absence of conclusive functional and genetic evidence.

Labcorp Genetics (formerly Invitae), Labcorp
Classification: Likely benign. Last evaluated: 2025-12-24. Review status: criteria provided, single submitter. Criteria: Invitae Variant Classification Sherloc (09022015). Collection method: clinical testing. Allele origin: germline.

Blueprint Genetics
Classification: Uncertain significance. Last evaluated: 2024-06-11. Review status: criteria provided, single submitter. Criteria: ACMG Guidelines, 2015. Collection method: clinical testing. Allele origin: germline.

Dept Of Ophthalmology, Nagoya University
Classification: Uncertain significance for Retinal dystrophy. Last evaluated: 2023-10-01. Review status: criteria provided, single submitter. Criteria: Submitter's publication. Collection method: research. Allele origin: germline. Affected: yes.

Illumina Laboratory Services, Illumina
Classification: Uncertain significance for ABCA4-Related Disorders. Last evaluated: 2018-01-12. Review status: criteria provided, single submitter. Criteria: ICSL Variant Classification Criteria 13 December 2019. Collection method: clinical testing. Allele origin: germline.